The following is an entry in ClinVar:

NM_176787.5(PIGN):c.880C>G (p.Gln294Glu)

Gene: PIGN (phosphatidylinositol glycan anchor biosynthesis class N; minus strand). Cytogenetic location: 18q21.33.
Variant type: single nucleotide variant.
Coding change: c.880C>G on transcript NM_176787.5 (MANE Select); coding-DNA position 880, C replaced by G.
Protein change: p.Gln294Glu; replaces glutamine 294 with glutamic acid.
Molecular consequence: missense variant.
Genome position (GRCh38, 1-based): chr18:62,145,951, G>C on the plus strand (C>G on the coding strand, the complement: PIGN is on the minus strand). VCF-style: chr18-62145951-G-C. GRCh37 (hg19) VCF-style: chr18-59813184-G-C.
Other names: c.880C>G, p.Gln294Glu (NM_012327.6); short protein forms Q294E.
Identifiers: ClinVar variation 840288 (VCV000840288.7), dbSNP rs374267642, ClinGen allele CA301684110.
Genomic context (GRCh38, chr18:62,145,951, plus strand): 5'-GTAAAGAAATGCTTGTACCTTTCAAAAATGCATCATCAAATTGCTGAGCTGATACTCTTT[G>C]GGGATACTTGATTCCAGCTCCCCAAGTGACTAAAGGAGTTAAAGTCTCTGAAGGATGACC-3'
Protein context (NP_789744.1, residues 284-304): VTWGAGIKYP[Gln294Glu]RVSAQQFDDA

ClinVar aggregate classification (germline): Uncertain significance (1 of 4 stars; one submission).

Conditions:
Multiple congenital anomalies-hypotonia-seizures syndrome 1 (MCAHS1). Also called: PIGN-CDG; Congenital disorder of glycosylation due to PIGN deficiency; GLYCOSYLPHOSPHATIDYLINOSITOL BIOSYNTHESIS DEFECT 3. Identifiers: Orphanet 280633, MedGen C3279775, MONDO:0013563, OMIM 614080.

Allele frequency attached by ClinVar (database versions not stated): ESP Exome Variant Server 0.00008; gnomAD exomes below 0.00001.
gnomAD v4.1: 4 of 1,607,916 alleles (0.00025%); highest among the groups gnomAD compares: Non-Finnish European, 0.00034%; no homozygotes.

Submission:

Labcorp Genetics (formerly Invitae), Labcorp
Classification: Uncertain significance for Multiple congenital anomalies-hypotonia-seizures syndrome 1. Last evaluated: 2019-04-19. Review status: criteria provided, single submitter. Criteria: Invitae Variant Classification Sherloc (09022015). Collection method: clinical testing. Allele origin: germline.
Comment: In summary, the available evidence is currently insufficient to determine the role of this variant in disease. Therefore, it has been classified as a Variant of Uncertain Significance. Algorithms developed to predict the effect of missense changes on protein structure and function (SIFT, PolyPhen-2, Align-GVGD) all suggest that this variant is likely to be tolerated, but these predictions have not been confirmed by published functional studies and their clinical significance is uncertain. This variant has not been reported in the literature in individuals with PIGN-related conditions. This variant is not present in population databases (ExAC no frequency). This sequence change replaces glutamine with glutamic acid at codon 294 of the PIGN protein (p.Gln294Glu). The glutamine residue is moderately conserved and there is a small physicochemical difference between glutamine and glutamic acid.